The following is an entry in ClinVar:

NM_006231.4(POLE):c.5046C>T (p.His1682=)

Gene: POLE (DNA polymerase epsilon, catalytic subunit; minus strand). Cytogenetic location: 12q24.33.
Variant type: single nucleotide variant.
Coding change: c.5046C>T on transcript NM_006231.4 (MANE Select); coding-DNA position 5046, C replaced by T.
Protein change: p.His1682=; no amino-acid change (histidine 1682 retained).
Molecular consequence: synonymous variant.
Genome position (GRCh38, 1-based): chr12:132,642,304, G>A on the plus strand (C>T on the coding strand, the complement: POLE is on the minus strand). VCF-style: chr12-132642304-G-A. GRCh37 (hg19) VCF-style: chr12-133218890-G-A.
Identifiers: ClinVar variation 240549 (VCV000240549.18), dbSNP rs769284070, ClinGen allele CA6892635.
Genomic context (GRCh38, chr12:132,642,304, plus strand): 5'-GTTGTCATCAGCCTCCTTTCCACCCAGGTCAGGGCGGGCTGTAGGGGACAGCCAGAGCAG[G>A]TGGTTGTGGCGCTGGAGGTGGCGGGCAAAGAAGAGGTCGGAGCCGAATGTGGAGATGTCC-3'
Protein context (NP_006222.2, residues 1672-1692): FFARHLQRHN[His1682=]LLWLSPTARP

ClinVar aggregate classification (germline): Likely benign. Review status: criteria provided, multiple submitters, no conflicts (2 of 4 stars). 4 submissions from 4 submitters: Likely benign (3). 1 of the submissions does not count toward it. Last evaluated 2026-01-14.

Conditions:
POLE-related disorder. Also called: POLE-related disorders; POLE-related condition.
Hereditary cancer-predisposing syndrome. Also called: Tumor predisposition; Neoplastic Syndromes, Hereditary; Hereditary Cancer Syndrome; Hereditary neoplastic syndrome. Identifiers: Orphanet 140162, MedGen C0027672, MeSH D009386, MONDO:0015356.
Colorectal cancer, susceptibility to, 12 (CRCS12). Also called: COLORECTAL CANCER, SUSCEPTIBILITY TO, ON CHROMOSOME 12q24. Identifiers: Orphanet 220460, MedGen C3554460, MONDO:0014038, OMIM 615083.

Allele frequency attached by ClinVar (database versions not stated): gnomAD 0.00001 and 0.00002; gnomAD exomes 0.00002 and 0.00003; TOPMed 0.00002; ExAC 0.00003.
gnomAD v4.1: 30 of 1,603,954 alleles (0.0019%); highest among the groups gnomAD compares: South Asian, 0.019%; 1 homozygote.

Submissions (4):

Labcorp Genetics (formerly Invitae), Labcorp
Classification: Likely benign. Last evaluated: 2026-01-14. Review status: criteria provided, single submitter. Criteria: Invitae Variant Classification Sherloc (09022015). Collection method: clinical testing. Allele origin: germline.

KCCC/NGS Laboratory, Kuwait Cancer Control Center
Classification: Likely benign for Colorectal cancer, susceptibility to, 12. Last evaluated: 2023-07-07. Review status: criteria provided, single submitter. Criteria: ACMG Guidelines, 2015. Collection method: clinical testing. Allele origin: germline. Affected: yes.

Ambry Genetics
Classification: Likely benign for Hereditary cancer-predisposing syndrome. Last evaluated: 2016-07-06. Review status: criteria provided, single submitter. Criteria: Ambry Variant Classification Scheme 2023. Collection method: clinical testing. Allele origin: germline.

PreventionGenetics, part of Exact Sciences
Classification: Likely benign for POLE-related condition. Last evaluated: 2019-06-21. Review status: no assertion criteria provided. Collection method: clinical testing. Allele origin: germline. Not counted in ClinVar's aggregate classification.
Comment: This variant is classified as likely benign based on ACMG/AMP sequence variant interpretation guidelines (Richards et al. 2015 PMID: 25741868, with internal and published modifications).